The following is an entry in ClinVar:

NM_001197104.2(KMT2A):c.10076C>G (p.Ala3359Gly)

Gene: KMT2A (lysine methyltransferase 2A; plus strand). Cytogenetic location: 11q23.3.
Variant type: single nucleotide variant.
Coding change: c.10076C>G on transcript NM_001197104.2 (MANE Select); coding-DNA position 10076, C replaced by G.
Protein change: p.Ala3359Gly; replaces alanine 3359 with glycine.
Molecular consequence: missense variant.
Genome position (GRCh38, 1-based): chr11:118,505,968, C>G. VCF-style: chr11-118505968-C-G. GRCh37 (hg19) VCF-style: chr11-118376683-C-G.
Other names: c.10166C>G, p.Ala3389Gly (NM_001412597.1); c.10067C>G, p.Ala3356Gly (NM_005933.4); short protein forms A3356G, A3359G, A3389G.
Identifiers: ClinVar variation 2762451 (VCV002762451.3), dbSNP rs149340870, ClinGen allele CA382822599.

ClinVar aggregate classification (germline): Uncertain significance (1 of 4 stars; one submission).

Submission:

Labcorp Genetics (formerly Invitae), Labcorp
Classification: Uncertain significance. Last evaluated: 2023-09-21. Review status: criteria provided, single submitter. Criteria: Invitae Variant Classification Sherloc (09022015). Collection method: clinical testing. Allele origin: germline.
Comment: This variant has not been reported in the literature in individuals affected with KMT2A-related conditions. In summary, the available evidence is currently insufficient to determine the role of this variant in disease. Therefore, it has been classified as a Variant of Uncertain Significance. Advanced modeling of protein sequence and biophysical properties (such as structural, functional, and spatial information, amino acid conservation, physicochemical variation, residue mobility, and thermodynamic stability) performed at Invitae indicates that this missense variant is not expected to disrupt KMT2A protein function. This variant is not present in population databases (gnomAD no frequency). This sequence change replaces alanine, which is neutral and non-polar, with glycine, which is neutral and non-polar, at codon 3359 of the KMT2A protein (p.Ala3359Gly).